The following is an entry in ClinVar:

NM_001379500.1(COL18A1):c.628G>A (p.Gly210Arg)

Gene: COL18A1 (collagen type XVIII alpha 1 chain; plus strand). Cytogenetic location: 21q22.3.
Variant type: single nucleotide variant.
Coding change: c.628G>A on transcript NM_001379500.1 (MANE Select); coding-DNA position 628, G replaced by A.
Protein change: p.Gly210Arg; replaces glycine 210 with arginine.
Molecular consequence: missense variant.
Genome position (GRCh38, 1-based): chr21:45,468,763, G>A. VCF-style: chr21-45468763-G-A. GRCh37 (hg19) VCF-style: chr21-46888677-G-A.
Other names: c.1168G>A, p.Gly390Arg (NM_030582.4); c.1873G>A, p.Gly625Arg (NM_130444.3); short protein forms G210R, G390R, G625R.
Identifiers: ClinVar variation 1373013 (VCV001373013.6), dbSNP rs1281408625, ClinGen allele CA410512423.

ClinVar aggregate classification (germline): Uncertain significance (1 of 4 stars; one submission).

Allele frequency attached by ClinVar (database versions not stated): gnomAD exomes below 0.00001; TOPMed below 0.00001.
gnomAD v4.1: 1 of 1,603,286 alleles (0.000062%); highest among the groups gnomAD compares: African/African-American, 0.0013%; no homozygotes.

Submission:

Labcorp Genetics (formerly Invitae), Labcorp
Classification: Uncertain significance. Last evaluated: 2021-08-06. Review status: criteria provided, single submitter. Criteria: Invitae Variant Classification Sherloc (09022015). Collection method: clinical testing. Allele origin: germline.
Comment: In summary, the available evidence is currently insufficient to determine the role of this variant in disease. Therefore, it has been classified as a Variant of Uncertain Significance. Experimental studies and prediction algorithms are not available or were not evaluated, and the functional significance of this variant is currently unknown. This variant has not been reported in the literature in individuals affected with COL18A1-related conditions. This variant is not present in population databases (ExAC no frequency). This sequence change replaces glycine with arginine at codon 210 of the COL18A1 protein (p.Gly210Arg). There is a moderate physicochemical difference between glycine and arginine.